The following is an entry in ClinVar:

ClinVar aggregate classification (germline): Uncertain significance. Review status: criteria provided, multiple submitters, no conflicts (2 of 4 stars). 2 submissions from 2 submitters: Uncertain significance (2). Last evaluated 2024-10-12.

Conditions:
Epileptic encephalopathy. Identifiers: MedGen C0543888, HP:0200134.

Allele frequency attached by ClinVar (database versions not stated): gnomAD exomes below 0.00001; gnomAD 0.00001; TOPMed 0.00002.
gnomAD v4.1: 2 of 1,612,632 alleles (0.00012%); highest among the groups gnomAD compares: African/African-American, 0.0027%; no homozygotes.

Submissions (2):

Ambry Genetics
Classification: Uncertain significance. Last evaluated: 2024-10-12. Review status: criteria provided, single submitter. Criteria: Ambry Variant Classification Scheme 2023. Collection method: clinical testing. Allele origin: germline.

Labcorp Genetics (formerly Invitae), Labcorp
Classification: Uncertain significance for Epileptic encephalopathy. Last evaluated: 2023-03-27. Review status: criteria provided, single submitter. Criteria: Invitae Variant Classification Sherloc (09022015). Collection method: clinical testing. Allele origin: germline.
Comment: In summary, the available evidence is currently insufficient to determine the role of this variant in disease. Therefore, it has been classified as a Variant of Uncertain Significance. Algorithms developed to predict the effect of missense changes on protein structure and function output the following: SIFT: "Not Available"; PolyPhen-2: "Benign"; Align-GVGD: "Not Available". The threonine amino acid residue is found in multiple mammalian species, which suggests that this missense change does not adversely affect protein function. This variant has not been reported in the literature in individuals affected with FASN-related conditions. This variant is not present in population databases (gnomAD no frequency). This sequence change replaces alanine, which is neutral and non-polar, with threonine, which is neutral and polar, at codon 2089 of the FASN protein (p.Ala2089Thr).

NM_004104.5(FASN):c.6265G>A (p.Ala2089Thr)

Gene: FASN (fatty acid synthase; minus strand). Cytogenetic location: 17q25.3.
Variant type: single nucleotide variant.
Coding change: c.6265G>A on transcript NM_004104.5 (MANE Select); coding-DNA position 6265, G replaced by A.
Protein change: p.Ala2089Thr; replaces alanine 2089 with threonine.
Molecular consequence: missense variant.
Genome position (GRCh38, 1-based): chr17:82,081,742, C>T on the plus strand (G>A on the coding strand, the complement: FASN is on the minus strand). VCF-style: chr17-82081742-C-T. GRCh37 (hg19) VCF-style: chr17-80039618-C-T.
Other names: c.6265G>A (NM_004104.4); short protein forms A2089T.
Identifiers: ClinVar variation 3013089 (VCV003013089.4), dbSNP rs963171358, ClinGen allele CA295203652.